The following is an entry in ClinVar:

NM_006084.5(IRF9):c.932C>T (p.Pro311Leu)

Gene: IRF9 (interferon regulatory factor 9; plus strand). Cytogenetic location: 14q12.
Variant type: single nucleotide variant.
Coding change: c.932C>T on transcript NM_006084.5 (MANE Select); coding-DNA position 932, C replaced by T.
Protein change: p.Pro311Leu; replaces proline 311 with leucine.
Molecular consequence: missense variant. On other transcripts: synonymous variant (1).
Genome position (GRCh38, 1-based): chr14:24,164,896, C>T. VCF-style: chr14-24164896-C-T. GRCh37 (hg19) VCF-style: chr14-24634105-C-T.
Other names: c.959C>T, p.Pro320Leu (NM_001385400.1, NM_001385401.1); c.669C>T, p.Pro223= (NM_001385402.1); short protein forms P311L, P320L.
Identifiers: ClinVar variation 1523158 (VCV001523158.8), dbSNP rs371047710, ClinGen allele CA7126578.
Genomic context (GRCh38, chr14:24,164,896, plus strand): 5'-AGCGCCTTTGCCCCATCCCCATCTCCTGGAATGCACCCCAGGCTCCACCTGGGCCAGGCC[C>T]GCATCTGCTGCCCAGCAACGAGTGCGTGGAGCTCTTCAGAACCGCCTACTTCTGCAGAGG-3'
Protein context (NP_006075.3, residues 301-321): NAPQAPPGPG[Pro311Leu]HLLPSNECVE

ClinVar aggregate classification (germline): Uncertain significance (1 of 4 stars; one submission).

Allele frequency attached by ClinVar (database versions not stated): gnomAD exomes 0.00002 and 0.00004; TOPMed 0.00002; ExAC 0.00003; ESP Exome Variant Server 0.00008.
gnomAD v4.1: 31 of 1,612,660 alleles (0.0019%); highest among the groups gnomAD compares: Non-Finnish European, 0.0022%; no homozygotes.

Submission:

Labcorp Genetics (formerly Invitae), Labcorp
Classification: Uncertain significance. Last evaluated: 2022-10-22. Review status: criteria provided, single submitter. Criteria: Invitae Variant Classification Sherloc (09022015). Collection method: clinical testing. Allele origin: germline.
Comment: Algorithms developed to predict the effect of missense changes on protein structure and function output the following: SIFT: "Deleterious"; PolyPhen-2: "Benign"; Align-GVGD: "Class C65". The leucine amino acid residue is found in multiple mammalian species, which suggests that this missense change does not adversely affect protein function. In summary, the available evidence is currently insufficient to determine the role of this variant in disease. Therefore, it has been classified as a Variant of Uncertain Significance. ClinVar contains an entry for this variant (Variation ID: 1523158). This variant has not been reported in the literature in individuals affected with IRF9-related conditions. This variant is present in population databases (rs371047710, gnomAD 0.007%). This sequence change replaces proline, which is neutral and non-polar, with leucine, which is neutral and non-polar, at codon 311 of the IRF9 protein (p.Pro311Leu).